The following is an entry in ClinVar:

ClinVar aggregate classification (germline): Uncertain significance (1 of 4 stars; one submission).

Conditions:
Hyperammonemic encephalopathy due to carbonic anhydrase VA deficiency. Also called: Carbonic anhydrase VA deficiency, hyperammonemia due to; Carbonic Anhydrase VA Deficiency. Identifiers: Orphanet 401948, MedGen C4706871, MONDO:0014332, OMIM 615751.

Submission:

Labcorp Genetics (formerly Invitae), Labcorp
Classification: Uncertain significance for Hyperammonemic encephalopathy due to carbonic anhydrase VA deficiency. Last evaluated: 2025-10-04. Review status: criteria provided, single submitter. Criteria: Invitae Variant Classification Sherloc (09022015). Collection method: clinical testing. Allele origin: germline.
Comment: This sequence change replaces aspartic acid, which is acidic and polar, with asparagine, which is neutral and polar, at codon 198 of the CA5A protein (p.Asp198Asn). This variant is present in population databases (rs750775991, gnomAD 0.0009%). This variant has not been reported in the literature in individuals affected with CA5A-related conditions. Invitae Evidence Modeling of protein sequence and biophysical properties (such as structural, functional, and spatial information, amino acid conservation, physicochemical variation, residue mobility, and thermodynamic stability) indicates that this missense variant is not expected to disrupt CA5A protein function with a negative predictive value of 80%. In summary, the available evidence is currently insufficient to determine the role of this variant in disease. Therefore, it has been classified as a Variant of Uncertain Significance.

NM_001739.2(CA5A):c.592G>A (p.Asp198Asn)

Gene: CA5A (carbonic anhydrase 5A; minus strand). Cytogenetic location: 16q24.2.
Variant type: single nucleotide variant.
Coding change: c.592G>A on transcript NM_001739.2 (MANE Select); coding-DNA position 592, G replaced by A.
Protein change: p.Asp198Asn; replaces aspartic acid 198 with asparagine.
Molecular consequence: missense variant. On other transcripts: non-coding transcript variant (2).
Genome position (GRCh38, 1-based): chr16:87,901,938, C>T on the plus strand (G>A on the coding strand, the complement: CA5A is on the minus strand). VCF-style: chr16-87901938-C-T. GRCh37 (hg19) VCF-style: chr16-87935544-C-T.
Other names: c.592G>A, p.Asp198Asn (NM_001367225.1); short protein forms D198N.
Identifiers: ClinVar variation 4767580 (VCV004767580.1).